The following is an entry in ClinVar:

NM_015978.3(TNNI3K):c.314T>C (p.Leu105Ser)

Genes: FPGT-TNNI3K (FPGT-TNNI3K readthrough; plus strand), TNNI3K (TNNI3 interacting kinase; plus strand). Cytogenetic location: 1p31.1.
Variant type: single nucleotide variant.
Coding change: c.314T>C on transcript NM_015978.3 (MANE Select); coding-DNA position 314, T replaced by C.
Protein change: p.Leu105Ser; replaces leucine 105 with serine.
Molecular consequence: missense variant.
Genome position (GRCh38, 1-based): chr1:74,250,750, T>C. VCF-style: chr1-74250750-T-C. GRCh37 (hg19) VCF-style: chr1-74716434-T-C.
Other names: c.617T>C, p.Leu206Ser (NM_001112808.3, NM_001199327.2); short protein forms L206S, L105S.
Identifiers: ClinVar variation 3646146 (VCV003646146.2).

ClinVar aggregate classification (germline): Uncertain significance (1 of 4 stars; one submission).

Submission:

Labcorp Genetics (formerly Invitae), Labcorp
Classification: Uncertain significance. Last evaluated: 2024-03-16. Review status: criteria provided, single submitter. Criteria: Invitae Variant Classification Sherloc (09022015). Collection method: clinical testing. Allele origin: germline.
Comment: This sequence change replaces leucine, which is neutral and non-polar, with serine, which is neutral and polar, at codon 105 of the TNNI3K protein (p.Leu105Ser). This variant is not present in population databases (gnomAD no frequency). This variant has not been reported in the literature in individuals affected with TNNI3K-related conditions. Advanced modeling of protein sequence and biophysical properties (such as structural, functional, and spatial information, amino acid conservation, physicochemical variation, residue mobility, and thermodynamic stability) has been performed at Invitae for this missense variant, however the output from this modeling did not meet the statistical confidence thresholds required to predict the impact of this variant on TNNI3K protein function. In summary, the available evidence is currently insufficient to determine the role of this variant in disease. Therefore, it has been classified as a Variant of Uncertain Significance.